The following is an entry in ClinVar:

ClinVar aggregate classification (germline): Uncertain significance. Review status: criteria provided, multiple submitters, no conflicts (2 of 4 stars). 5 submissions from 5 submitters: Uncertain significance (5). Last evaluated 2026-03-17.

Conditions:
Cardiovascular phenotype. Identifiers: MedGen CN230736.
Cutis laxa, autosomal recessive, type 1B (ARCL1B). Also called: CUTIS LAXA, AUTOSOMAL RECESSIVE, TYPE IB; EFEMP2-Related Cutis Laxa. Identifiers: Orphanet 90349, MedGen C3280798, MONDO:0013754, OMIM 614437. Disease mechanism: loss of function.

Allele frequency attached by ClinVar (database versions not stated): ESP Exome Variant Server 0.00008; gnomAD exomes 0.00007 and 0.00004; ExAC 0.00002; gnomAD 0.00002; TOPMed 0.00004.

Submissions (5):

Ambry Genetics
Classification: Uncertain significance for Cardiovascular phenotype. Last evaluated: 2026-03-17. Review status: criteria provided, single submitter. Criteria: Ambry Variant Classification Scheme 2023. Collection method: clinical testing. Allele origin: germline.
Comment: The p.R185H variant (also known as c.554G>A), located in coding exon 5 of the EFEMP2 gene, results from a G to A substitution at nucleotide position 554. The arginine at codon 185 is replaced by histidine, an amino acid with highly similar properties. This variant was reported in individual(s) with sudden unexplained death (Neubauer J et al. Int J Legal Med, 2021 Jul;135:1341-1349). This amino acid position is not well conserved in available vertebrate species. In addition, the in silico prediction for this alteration is inconclusive. Based on the available evidence, the clinical significance of this variant remains unclear.

Women's Health and Genetics/Laboratory Corporation of America, LabCorp
Classification: Uncertain significance. Last evaluated: 2025-11-10. Review status: criteria provided, single submitter. Criteria: LabCorp Variant Classification Summary - May 2015. Collection method: clinical testing. Allele origin: germline.
Comment: Variant summary: EFEMP2 c.554G>A (p.Arg185His) results in a non-conservative amino acid change in the encoded protein sequence. Algorithms developed to predict the effect of missense changes on protein structure and function all suggest that this variant is likely to be disruptive. The variant allele was found at a frequency of 3.6e-05 in 250688 control chromosomes. The available data on variant occurrences in the general population are insufficient to allow any conclusion about variant significance. c.554G>A has been observed in individual(s) affected with Sudden death (Neubauer_2018). These report(s) do not provide unequivocal conclusions about association of the variant with EFEMP2-related conditions. To our knowledge, no experimental evidence demonstrating an impact on protein function has been reported. The following publication have been ascertained in the context of this evaluation (PMID: 29350269). ClinVar contains an entry for this variant (Variation ID: 646814). Based on the evidence outlined above, the variant was classified as uncertain significance.

GeneDx
Classification: Uncertain significance. Last evaluated: 2023-09-22. Review status: criteria provided, single submitter. Criteria: GeneDx Variant Classification Process June 2021. Collection method: clinical testing. Allele origin: germline. Affected: yes.
Comment: Has been previously reported with the ANKRD1 T116M variant in 1/34 patients with sudden unexplained death (Neubauer et al., 2018); Not observed at significant frequency in large population cohorts (gnomAD); In silico analysis supports that this missense variant does not alter protein structure/function; This variant is associated with the following publications: (PMID: 33895855, 29350269)

ARUP Laboratories, Molecular Genetics and Genomics, ARUP Laboratories
Classification: Uncertain significance for Cutis laxa, autosomal recessive, type 1B. Last evaluated: 2023-05-01. Review status: criteria provided, single submitter. Criteria: ARUP Molecular Germline Variant Investigation Process 2024. Collection method: clinical testing. Allele origin: germline.
Comment: The EFEMP2 c.554G>A; p.Arg185His (rs143662598) is reported in the literature in one individual affected with sudden unexplained death (Neubauer 2018, Neubauer 2021). This variant is also reported in ClinVar (Variation ID: 646814) and is found in the general population with an overall frequency of 0.004% (10/282072 alleles) in the Genome Aggregation Database. Computational analyses are uncertain whether this variant is neutral or deleterious (REVEL: 0.374). Due to limited information, the clinical significance of this variant is uncertain at this time. References: Neubauer J et al. Exome analysis in 34 sudden unexplained death (SUD) victims mainly identified variants in channelopathy-associated genes. Int J Legal Med. 2018 Jul;132(4):1057-1065. PMID: 29350269. Neubauer J et al. Re-evaluation of single nucleotide variants and identification of structural variants in a cohort of 45 sudden unexplained death cases. Int J Legal Med. 2021 Jul;135(4):1341-1349. PMID: 33895855.

Labcorp Genetics (formerly Invitae), Labcorp
Classification: Uncertain significance for Cutis laxa, autosomal recessive, type 1B. Last evaluated: 2022-06-22. Review status: criteria provided, single submitter. Criteria: Invitae Variant Classification Sherloc (09022015). Collection method: clinical testing. Allele origin: germline.
Comment: This sequence change replaces arginine, which is basic and polar, with histidine, which is basic and polar, at codon 185 of the EFEMP2 protein (p.Arg185His). This variant is present in population databases (rs143662598, gnomAD 0.005%). This variant has not been reported in the literature in individuals affected with EFEMP2-related conditions. ClinVar contains an entry for this variant (Variation ID: 646814). Algorithms developed to predict the effect of missense changes on protein structure and function are either unavailable or do not agree on the potential impact of this missense change (SIFT: "Deleterious"; PolyPhen-2: "Benign"; Align-GVGD: "Class C25"). In summary, the available evidence is currently insufficient to determine the role of this variant in disease. Therefore, it has been classified as a Variant of Uncertain Significance.

Literature cited by the submitters: PubMed 33895855 (cited by Ambry Genetics); PubMed 29350269 (cited by Women's Health and Genetics/Laboratory Corporation of America, LabCorp).

NM_016938.5(EFEMP2):c.554G>A (p.Arg185His)

Gene: EFEMP2 (EGF-like fibulin extracellular matrix protein 2; minus strand). Cytogenetic location: 11q13.1.
Variant type: single nucleotide variant.
Coding change: c.554G>A on transcript NM_016938.5 (MANE Select); coding-DNA position 554, G replaced by A.
Protein change: p.Arg185His; replaces arginine 185 with histidine.
Molecular consequence: missense variant. On other transcripts: non-coding transcript variant (1).
Genome position (GRCh38, 1-based): chr11:65,870,174, C>T on the plus strand (G>A on the coding strand, the complement: EFEMP2 is on the minus strand). VCF-style: chr11-65870174-C-T. GRCh37 (hg19) VCF-style: chr11-65637645-C-T.
Other names: short protein forms R185H.
Identifiers: ClinVar variation 646814 (VCV000646814.11), dbSNP rs143662598, ClinGen allele CA6110618.